The following is an entry in ClinVar:

NM_182961.4(SYNE1):c.13895C>T (p.Ser4632Leu)

Gene: SYNE1 (spectrin repeat containing nuclear envelope protein 1; minus strand). Cytogenetic location: 6q25.2.
Variant type: single nucleotide variant.
Coding change: c.13895C>T on transcript NM_182961.4 (MANE Select); coding-DNA position 13895, C replaced by T.
Protein change: p.Ser4632Leu; replaces serine 4632 with leucine.
Molecular consequence: missense variant.
Genome position (GRCh38, 1-based): chr6:152,330,790, G>A on the plus strand (C>T on the coding strand, the complement: SYNE1 is on the minus strand). VCF-style: chr6-152330790-G-A. GRCh37 (hg19) VCF-style: chr6-152651925-G-A.
Other names: c.13895C>T (NM_182961.2); c.13682C>T, p.Ser4561Leu (NM_033071.5); short protein forms S4561L, S4632L.
Identifiers: ClinVar variation 576509 (VCV000576509.9), dbSNP rs377099959, ClinGen allele CA150177034.
Genomic context (GRCh38, chr6:152,330,790, plus strand): 5'-AATTGTCGAGGCAAAGCATTTAGCTTTTCACTGAGGTAGGAATGATCGACTTCATTCAGC[G>A]ATGGTAATATGGTCTGCCCAGTTCTCTGCAGCGTAAGTAGAAGATTTTCATATTCTGGAG-3'
Protein context (NP_892006.3, residues 4622-4642): LQRTGQTILP[Ser4632Leu]LNEVDHSYLS

ClinVar aggregate classification (germline): Uncertain significance. Review status: criteria provided, multiple submitters, no conflicts (2 of 4 stars). 3 submissions from 3 submitters: Uncertain significance (3). Last evaluated 2025-06-30.

Conditions:
Emery-Dreifuss muscular dystrophy 4, autosomal dominant (EDMD4). Also called: EMERY-DREIFUSS MUSCULAR DYSTROPHY 4 WITH VARIABLE FEATURES. Identifiers: Orphanet 261, MedGen C2751807, MONDO:0013071, OMIM 612998.
Autosomal recessive ataxia, Beauce type. Also called: SYNE1-Related Autosomal Recessive Cerebellar Ataxia; Spinocerebellar ataxia, autosomal recessive 8; ATAXIA, RECESSIVE, OF BEAUCE; SYNE1 Deficiency. Identifiers: Orphanet 88644, MedGen C1853116, MONDO:0012549, OMIM 610743.

Allele frequency attached by ClinVar (database versions not stated): gnomAD 0.00001; gnomAD exomes 0.00001; TOPMed 0.00002.
gnomAD v4.1: 10 of 1,613,742 alleles (0.00062%); highest among the groups gnomAD compares: South Asian, 0.0022%; no homozygotes.

Submissions (3):

Labcorp Genetics (formerly Invitae), Labcorp
Classification: Uncertain significance for Emery-Dreifuss muscular dystrophy 4, autosomal dominant; Autosomal recessive ataxia, Beauce type. Last evaluated: 2025-06-30. Review status: criteria provided, single submitter. Criteria: Invitae Variant Classification Sherloc (09022015). Collection method: clinical testing. Allele origin: germline.
Comment: This sequence change replaces serine, which is neutral and polar, with leucine, which is neutral and non-polar, at codon 4561 of the SYNE1 protein (p.Ser4561Leu). This variant is present in population databases (rs377099959, gnomAD 0.006%). This variant has not been reported in the literature in individuals affected with SYNE1-related conditions. ClinVar contains an entry for this variant (Variation ID: 576509). An algorithm developed to predict the effect of missense changes on protein structure and function (PolyPhen-2) suggests that this variant is likely to be tolerated. In summary, the available evidence is currently insufficient to determine the role of this variant in disease. Therefore, it has been classified as a Variant of Uncertain Significance.

Athena Diagnostics
Classification: Uncertain significance. Last evaluated: 2023-11-21. Review status: criteria provided, single submitter. Criteria: Athena Diagnostics Criteria. Collection method: clinical testing. Allele origin: unknown.
Comment: Available data are insufficient to determine the clinical significance of the variant at this time. The frequency of this variant in the general population is uninformative in assessment of its pathogenicity. Computational tools predict that this variant is not damaging.

Revvity Omics, Revvity
Classification: Uncertain significance. Last evaluated: 2021-08-05. Review status: criteria provided, single submitter. Criteria: ACMG Guidelines, 2015. Collection method: clinical testing. Allele origin: germline.